The following is an entry in ClinVar:

ClinVar aggregate classification (germline): Pathogenic (1 of 4 stars; one submission).

Submission:

Labcorp Genetics (formerly Invitae), Labcorp
Classification: Pathogenic. Last evaluated: 2024-03-26. Review status: criteria provided, single submitter. Criteria: Invitae Variant Classification Sherloc (09022015). Collection method: clinical testing. Allele origin: germline.
Comment: This sequence change creates a premature translational stop signal (p.Gly549Glufs*4) in the LIFR gene. It is expected to result in an absent or disrupted protein product. Loss-of-function variants in LIFR are known to be pathogenic (PMID: 14740318). This variant is not present in population databases (gnomAD no frequency). This variant has not been reported in the literature in individuals affected with LIFR-related conditions. ClinVar contains an entry for this variant (Variation ID: 1935371). For these reasons, this variant has been classified as Pathogenic.

Literature cited by the submitters: PubMed 14740318.

NM_001127671.2(LIFR):c.1646del (p.Gly549fs)

Gene: LIFR (LIF receptor subunit alpha; minus strand). Cytogenetic location: 5p13.1.
Variant type: Deletion.
Coding change: c.1646del on transcript NM_001127671.2 (MANE Select); coding-DNA position 1646, one base deleted (G; older notation c.1646delG).
Protein change: p.Gly549fs; shifts the reading frame from glycine 549.
Molecular consequence: frameshift variant.
Genome position (GRCh38, 1-based): chr5:38,499,538, C deleted on the plus strand (G on the coding strand, the reverse complement: LIFR is on the minus strand); the first of 2 consecutive C bases (chr5:38,499,538-38,499,539); deleting either gives the same sequence. VCF-style (leftmost placement, unchanged base first): chr5-38499537-TC-T. GRCh37 (hg19) VCF-style: chr5-38499639-TC-T.
Other names: c.1646del, p.Gly549fs (NM_001364297.2, NM_001364298.2, NM_002310.6); short protein forms G549fs.
Identifiers: ClinVar variation 1935371 (VCV001935371.5), dbSNP rs2531013627, ClinGen allele CA2580073256.